The following is an entry in ClinVar:

ClinVar aggregate classification (germline): Likely benign (1 of 4 stars; one submission).

gnomAD v4.1: 4 of 1,614,010 alleles (0.00025%); highest among the groups gnomAD compares: East Asian, 0.0022%; no homozygotes.

Submission:

CeGaT Center for Human Genetics Tuebingen
Classification: Likely benign. Last evaluated: 2025-02-01. Review status: criteria provided, single submitter. Criteria: CeGaT Center For Human Genetics Tuebingen Variant Classification Criteria Version 2. Collection method: clinical testing. Allele origin: germline. Affected: yes. Observed: 1 variant allele.
Comment: RTTN: BP4, BP7

NM_173630.4(RTTN):c.6270T>C (p.Asp2090=)

Gene: RTTN (rotatin; minus strand). Cytogenetic location: 18q22.2.
Variant type: single nucleotide variant.
Coding change: c.6270T>C on transcript NM_173630.4 (MANE Select); coding-DNA position 6270, T replaced by C.
Protein change: p.Asp2090=; no amino-acid change (aspartic acid 2090 retained).
Molecular consequence: synonymous variant.
Genome position (GRCh38, 1-based): chr18:70,017,558, A>G on the plus strand (T>C on the coding strand, the complement: RTTN is on the minus strand). VCF-style: chr18-70017558-A-G. GRCh37 (hg19) VCF-style: chr18-67684794-A-G.
Other names: c.3534T>C, p.Asp1178= (NM_001318520.2).
Identifiers: ClinVar variation 3771468 (VCV003771468.13).